The following is an entry in ClinVar:

NM_001291303.3(FAT4):c.14149A>T (p.Asn4717Tyr)

Gene: FAT4 (FAT atypical cadherin 4; plus strand). Cytogenetic location: 4q28.1.
Variant type: single nucleotide variant.
Coding change: c.14149A>T on transcript NM_001291303.3 (MANE Select); coding-DNA position 14149, A replaced by T.
Protein change: p.Asn4717Tyr; replaces asparagine 4717 with tyrosine.
Molecular consequence: missense variant.
Genome position (GRCh38, 1-based): chr4:125,490,965, A>T. VCF-style: chr4-125490965-A-T. GRCh37 (hg19) VCF-style: chr4-126412120-A-T.
Other names: c.14146A>T, p.Asn4716Tyr (NM_001291285.3, NM_001438397.1); c.8920A>T, p.Asn2974Tyr (NM_001437895.1); c.14149A>T, p.Asn4717Tyr (NM_001438396.1); c.14143A>T, p.Asn4715Tyr (NM_024582.6); short protein forms N2974Y, N4715Y, N4716Y, N4717Y.
Identifiers: ClinVar variation 4802702 (VCV004802702.1).

ClinVar aggregate classification (germline): Uncertain significance (1 of 4 stars; one submission).

Submission:

Labcorp Genetics (formerly Invitae), Labcorp
Classification: Uncertain significance. Last evaluated: 2025-05-22. Review status: criteria provided, single submitter. Criteria: Invitae Variant Classification Sherloc (09022015). Collection method: clinical testing. Allele origin: germline.
Comment: This sequence change replaces asparagine, which is neutral and polar, with tyrosine, which is neutral and polar, at codon 4715 of the FAT4 protein (p.Asn4715Tyr). This variant is not present in population databases (gnomAD no frequency). This variant has not been reported in the literature in individuals affected with FAT4-related conditions. Invitae Evidence Modeling of protein sequence and biophysical properties (such as structural, functional, and spatial information, amino acid conservation, physicochemical variation, residue mobility, and thermodynamic stability) indicates that this missense variant is not expected to disrupt FAT4 protein function with a negative predictive value of 95%. In summary, the available evidence is currently insufficient to determine the role of this variant in disease. Therefore, it has been classified as a Variant of Uncertain Significance.